The following is an entry in ClinVar:

ClinVar aggregate classification (germline): Uncertain significance (1 of 4 stars; one submission).

Allele frequency attached by ClinVar (database versions not stated): gnomAD exomes below 0.00001.
gnomAD v4.1: 4 of 1,611,234 alleles (0.00025%); highest among the groups gnomAD compares: Non-Finnish European, 0.00034%; no homozygotes.

Submission:

Labcorp Genetics (formerly Invitae), Labcorp
Classification: Uncertain significance. Last evaluated: 2022-07-02. Review status: criteria provided, single submitter. Criteria: Invitae Variant Classification Sherloc (09022015). Collection method: clinical testing. Allele origin: germline.
Comment: In summary, the available evidence is currently insufficient to determine the role of this variant in disease. Therefore, it has been classified as a Variant of Uncertain Significance. Algorithms developed to predict the effect of missense changes on protein structure and function (SIFT, PolyPhen-2, Align-GVGD) all suggest that this variant is likely to be disruptive. This variant has not been reported in the literature in individuals affected with MPDZ-related conditions. This variant is not present in population databases (gnomAD no frequency). This sequence change replaces aspartic acid, which is acidic and polar, with glycine, which is neutral and non-polar, at codon 263 of the MPDZ protein (p.Asp263Gly).

NM_001378778.1(MPDZ):c.788A>G (p.Asp263Gly)

Gene: MPDZ (multiple PDZ domain crumbs cell polarity complex component; minus strand). Cytogenetic location: 9p23.
Variant type: single nucleotide variant.
Coding change: c.788A>G on transcript NM_001378778.1 (MANE Select); coding-DNA position 788, A replaced by G.
Protein change: p.Asp263Gly; replaces aspartic acid 263 with glycine.
Molecular consequence: missense variant.
Genome position (GRCh38, 1-based): chr9:13,221,460, T>C on the plus strand (A>G on the coding strand, the complement: MPDZ is on the minus strand). VCF-style: chr9-13221460-T-C. GRCh37 (hg19) VCF-style: chr9-13221459-T-C.
Other names: c.788A>G, p.Asp263Gly (NM_001261406.2, NM_001261407.2, NM_001330637.2 and 14 more transcripts); short protein forms D263G.
Identifiers: ClinVar variation 2012599 (VCV002012599.4), dbSNP rs1959084525, ClinGen allele CA372946469.